The following is an entry in ClinVar:

ClinVar aggregate classification (germline): Likely pathogenic (1 of 4 stars; one submission).

Conditions:
Pulmonary fibrosis and/or bone marrow failure, Telomere-related, 4. Also called: PULMONARY FIBROSIS AND/OR BONE MARROW FAILURE SYNDROME, TELOMERE-RELATED, 4. Identifiers: Orphanet 2032, MedGen C4225347, MONDO:0014612, OMIM 616371.

Submission:

Variantyx, Inc.
Classification: Likely pathogenic for Pulmonary fibrosis and/or bone marrow failure, Telomere-related, 4. Last evaluated: 2025-06-26. Review status: criteria provided, single submitter. Criteria: Variantyx Assertion Criteria 2022. Collection method: clinical testing. Allele origin: germline. Inheritance: Autosomal dominant inheritance. Affected: yes.
Comment: This is a frameshift variant in the PARN gene (OMIM: 604212). Pathogenic variants in this gene have been associated with autosomal dominant telomere-related pulmonary fibrosis and/or bone marrow failure syndrome 4. This variant introduces a premature termination codon in exon 17 out of 24and is expected to result in loss of function, which is a known disease mechanism for PARN in this disorder (PMID: 25893599, 9736620, 25848748, 26810774) (PVS1). This variant has a 0.0003% maximum allele frequency in non-founder control populations (PM2), and it has not been reported in individuals with PARN-related disorders in the databases available for review. Based on the current evidence, this variant is classified as likely pathogenic for autosomal dominant telomere-related pulmonary fibrosis and/or bone marrow failure syndrome 4.

Literature cited by the submitters: PubMed 25893599; PubMed 9736620; PubMed 25848748; PubMed 26810774.

NM_002582.4(PARN):c.1105del (p.Tyr369fs)

Gene: PARN (poly(A)-specific ribonuclease; minus strand). Cytogenetic location: 16p13.12.
Variant type: Deletion.
Coding change: c.1105del on transcript NM_002582.4 (MANE Select); coding-DNA position 1105, one base deleted (T; older notation c.1105delT).
Protein change: p.Tyr369fs; shifts the reading frame from tyrosine 369.
Molecular consequence: frameshift variant.
Genome position (GRCh38, 1-based): chr16:14,582,268, A deleted on the plus strand (T on the coding strand, the reverse complement: PARN is on the minus strand); the first of 2 consecutive A bases (chr16:14,582,268-14,582,269); deleting either gives the same sequence. VCF-style (leftmost placement, unchanged base first): chr16-14582267-TA-T. GRCh37 (hg19) VCF-style: chr16-14676124-TA-T.
Other names: c.922del, p.Tyr308fs (NM_001134477.3); c.967del, p.Tyr323fs (NM_001242992.2); short protein forms Y308fs, Y323fs, Y369fs.
Identifiers: ClinVar variation 4850034 (VCV004850034.1).